The following is an entry in ClinVar:

NM_005475.3(SH2B3):c.1270T>C (p.Cys424Arg)

Gene: SH2B3 (SH2B adaptor protein 3; plus strand). Cytogenetic location: 12q24.12.
Variant type: single nucleotide variant.
Coding change: c.1270T>C on transcript NM_005475.3 (MANE Select); coding-DNA position 1270, T replaced by C.
Protein change: p.Cys424Arg; replaces cysteine 424 with arginine.
Molecular consequence: missense variant.
Genome position (GRCh38, 1-based): chr12:111,447,689, T>C. VCF-style: chr12-111447689-T-C. GRCh37 (hg19) VCF-style: chr12-111885493-T-C.
Other names: c.664T>C, p.Cys222Arg (NM_001291424.1); short protein forms C222R, C424R.
Identifiers: ClinVar variation 3953570 (VCV003953570.1).

ClinVar aggregate classification (germline): Uncertain significance (1 of 4 stars; one submission).

Conditions:
Inborn genetic diseases. Identifiers: MedGen C0950123, MeSH D030342.

Submission:

Ambry Genetics
Classification: Uncertain significance for Inborn genetic diseases. Last evaluated: 2025-06-13. Review status: criteria provided, single submitter. Criteria: Ambry Variant Classification Scheme 2023. Collection method: clinical testing. Allele origin: germline.
Comment: The p.C424R variant (also known as c.1270T>C), located in coding exon 6 of the SH2B3 gene, results from a T to C substitution at nucleotide position 1270. The cysteine at codon 424 is replaced by arginine, an amino acid with highly dissimilar properties. This amino acid position is conserved. In addition, this alteration is predicted to be deleterious by in silico analysis. Based on the available evidence, the clinical significance of this variant remains unclear.